The following is an entry in ClinVar:

NM_000601.6(HGF):c.1154T>C (p.Met385Thr)

Gene: HGF (hepatocyte growth factor; minus strand). Cytogenetic location: 7q21.11.
Variant type: single nucleotide variant.
Coding change: c.1154T>C on transcript NM_000601.6 (MANE Select); coding-DNA position 1154, T replaced by C.
Protein change: p.Met385Thr; replaces methionine 385 with threonine.
Molecular consequence: missense variant.
Genome position (GRCh38, 1-based): chr7:81,725,904, A>G on the plus strand (T>C on the coding strand, the complement: HGF is on the minus strand). VCF-style: chr7-81725904-A-G. GRCh37 (hg19) VCF-style: chr7-81355220-A-G.
Other names: c.1139T>C, p.Met380Thr (NM_001010932.3); short protein forms M380T, M385T.
Identifiers: ClinVar variation 2506747 (VCV002506747.1), dbSNP rs2115903547, ClinGen allele CA367869853.

ClinVar aggregate classification (germline): Uncertain significance (1 of 4 stars; one submission).

Submission:

GeneDx
Classification: Uncertain significance. Last evaluated: 2022-12-20. Review status: criteria provided, single submitter. Criteria: GeneDx Variant Classification Process June 2021. Collection method: clinical testing. Allele origin: germline. Affected: yes.
Comment: Not observed at significant frequency in large population cohorts (gnomAD); In silico analysis supports that this missense variant does not alter protein structure/function; Has not been previously published as pathogenic or benign to our knowledge